The following is an entry in ClinVar:

NM_000124.4(ERCC6):c.2645A>G (p.Tyr882Cys)

Gene: ERCC6 (ERCC excision repair 6, chromatin remodeling factor; minus strand). Cytogenetic location: 10q11.23.
Variant type: single nucleotide variant.
Coding change: c.2645A>G on transcript NM_000124.4 (MANE Select); coding-DNA position 2645, A replaced by G.
Protein change: p.Tyr882Cys; replaces tyrosine 882 with cysteine.
Molecular consequence: missense variant.
Genome position (GRCh38, 1-based): chr10:49,473,541, T>C on the plus strand (A>G on the coding strand, the complement: ERCC6 is on the minus strand). VCF-style: chr10-49473541-T-C. GRCh37 (hg19) VCF-style: chr10-50681587-T-C.
Other names: c.2645A>G, p.Tyr882Cys (NM_001346440.2); short protein forms Y882C.
Identifiers: ClinVar variation 300062 (VCV000300062.9), dbSNP rs116431130, ClinGen allele CA5495592.
Genomic context (GRCh38, chr10:49,473,541, plus strand): 5'-TTGTATCTCGTAATCAGTGGCTGTCTTGAAGCTATTGTAGTGGTACCATCCATCTTGAGA[T>C]AGGTATACTTTTGGGCTCTAAGGAATACTTCAAGTATGTCCAGCATCTGTTTGGAGGTGG-3'
Protein context (NP_000115.1, residues 872-892): EVFLRAQKYT[Tyr882Cys]LKMDGTTTIA

ClinVar aggregate classification (germline): Uncertain significance. Review status: criteria provided, multiple submitters, no conflicts (2 of 4 stars). 6 submissions from 4 submitters: Uncertain significance (6). Last evaluated 2024-07-19.

Conditions:
Age related macular degeneration 5. Identifiers: MedGen C3151063, MONDO:0013409, OMIM 613761.
Cerebrooculofacioskeletal syndrome 1 (COFS1). Also called: Cerebro-oculo-facio-skeletal syndrome 1. Identifiers: MedGen C0220722, MONDO:0008955, OMIM 214150.
Cockayne syndrome type 2 (CSB). Also called: COCKAYNE SYNDROME B; Cockayne Syndrome, Type II. Identifiers: Orphanet 191, Orphanet 90322, MedGen C0751038, MONDO:0019570, OMIM 133540.
DE SANCTIS-CACCHIONE SYNDROME. Identifiers: MedGen C0265201, MONDO:0010217, OMIM 278800.
UV-sensitive syndrome 1 (UVSS1). Identifiers: Orphanet 178338, MedGen C3551173, MONDO:0010909, OMIM 600630.
Lung cancer. Also called: Lung cancer, somatic; Malignant tumor of lung. Identifiers: MedGen C0242379, MONDO:0008903, OMIM 211980.
Premature ovarian failure 11 (POF11). Identifiers: MedGen C4310783, MONDO:0014843, OMIM 616946.

Allele frequency attached by ClinVar (database versions not stated): TOPMed 0.00003; gnomAD 0.00005; 1000 Genomes Project 30x 0.00016; 1000 Genomes Project 0.00020.
gnomAD v4.1: 56 of 1,613,502 alleles (0.0035%); highest among the groups gnomAD compares: East Asian, 0.025%; no homozygotes.

Submissions (6):

Blueprint Genetics
Classification: Uncertain significance. Last evaluated: 2024-07-19. Review status: criteria provided, single submitter. Criteria: ACMG Guidelines, 2015. Collection method: clinical testing. Allele origin: germline.

Labcorp Genetics (formerly Invitae), Labcorp
Classification: Uncertain significance. Last evaluated: 2022-08-19. Review status: criteria provided, single submitter. Criteria: Invitae Variant Classification Sherloc (09022015). Collection method: clinical testing. Allele origin: germline.
Comment: This sequence change replaces tyrosine, which is neutral and polar, with cysteine, which is neutral and slightly polar, at codon 882 of the ERCC6 protein (p.Tyr882Cys). This variant is present in population databases (rs116431130, gnomAD 0.01%). This variant has not been reported in the literature in individuals affected with ERCC6-related conditions. ClinVar contains an entry for this variant (Variation ID: 300062). Advanced modeling of protein sequence and biophysical properties (such as structural, functional, and spatial information, amino acid conservation, physicochemical variation, residue mobility, and thermodynamic stability) performed at Invitae indicates that this missense variant is expected to disrupt ERCC6 protein function. In summary, the available evidence is currently insufficient to determine the role of this variant in disease. Therefore, it has been classified as a Variant of Uncertain Significance.

Fulgent Genetics
Classification: Uncertain significance for Cockayne syndrome type 2; Lung cancer; Cerebrooculofacioskeletal syndrome 1; DE SANCTIS-CACCHIONE SYNDROME; UV-sensitive syndrome 1; Age related macular degeneration 5; Premature ovarian failure 11. Last evaluated: 2021-09-22. Review status: criteria provided, single submitter. Criteria: ACMG Guidelines, 2015. Collection method: clinical testing. Allele origin: unknown.

Illumina Laboratory Services, Illumina
Classification: Uncertain significance for Cockayne syndrome type 2. Last evaluated: 2018-01-13. Review status: criteria provided, single submitter. Criteria: ICSL Variant Classification Criteria 13 December 2019. Collection method: clinical testing. Allele origin: germline.

Illumina Laboratory Services, Illumina
Classification: Uncertain significance for Cerebrooculofacioskeletal syndrome 1. Last evaluated: 2018-01-13. Review status: criteria provided, single submitter. Criteria: ICSL Variant Classification Criteria 13 December 2019. Collection method: clinical testing. Allele origin: germline.

Illumina Laboratory Services, Illumina
Classification: Uncertain significance for Age related macular degeneration 5. Last evaluated: 2018-01-13. Review status: criteria provided, single submitter. Criteria: ICSL Variant Classification Criteria 13 December 2019. Collection method: clinical testing. Allele origin: germline.